The following is an entry in ClinVar:

ClinVar aggregate classification (germline): Uncertain significance. Review status: criteria provided, multiple submitters, no conflicts (2 of 4 stars). 2 submissions from 2 submitters: Uncertain significance (2). Last evaluated 2024-10-30.

Conditions:
Combined immunodeficiency due to LRBA deficiency. Also called: Common variable immunodeficiency 8, with autoimmunity. Identifiers: Orphanet 445018, MedGen C3553512, MONDO:0013863, OMIM 614700.
Inborn genetic diseases. Identifiers: MedGen C0950123, MeSH D030342.

Allele frequency attached by ClinVar (database versions not stated): ExAC 0.00002; gnomAD exomes 0.00002; TOPMed 0.00004; gnomAD 0.00005 and 0.00006.
gnomAD v4.1: 41 of 1,605,926 alleles (0.0026%); highest among the groups gnomAD compares: Non-Finnish European, 0.00085%; no homozygotes.

Submissions (2):

Ambry Genetics
Classification: Uncertain significance for Inborn genetic diseases. Last evaluated: 2024-10-30. Review status: criteria provided, single submitter. Criteria: Ambry Variant Classification Scheme 2023. Collection method: clinical testing. Allele origin: germline.

Labcorp Genetics (formerly Invitae), Labcorp
Classification: Uncertain significance for Combined immunodeficiency due to LRBA deficiency. Last evaluated: 2022-01-02. Review status: criteria provided, single submitter. Criteria: Invitae Variant Classification Sherloc (09022015). Collection method: clinical testing. Allele origin: germline.
Comment: This sequence change replaces isoleucine, which is neutral and non-polar, with valine, which is neutral and non-polar, at codon 1551 of the LRBA protein (p.Ile1551Val). This variant is present in population databases (rs200818717, gnomAD 0.04%). This variant has not been reported in the literature in individuals affected with LRBA-related conditions. ClinVar contains an entry for this variant (Variation ID: 840571). Algorithms developed to predict the effect of missense changes on protein structure and function are either unavailable or do not agree on the potential impact of this missense change (SIFT: "Deleterious"; PolyPhen-2: "Probably Damaging"; Align-GVGD: "Class C0"). In summary, the available evidence is currently insufficient to determine the role of this variant in disease. Therefore, it has been classified as a Variant of Uncertain Significance.

NM_001364905.1(LRBA):c.4651A>G (p.Ile1551Val)

Gene: LRBA (LPS responsive beige-like anchor protein; minus strand). Cytogenetic location: 4q31.3.
Variant type: single nucleotide variant.
Coding change: c.4651A>G on transcript NM_001364905.1 (MANE Select); coding-DNA position 4651, A replaced by G.
Protein change: p.Ile1551Val; replaces isoleucine 1551 with valine.
Molecular consequence: missense variant.
Genome position (GRCh38, 1-based): chr4:150,831,895, T>C on the plus strand (A>G on the coding strand, the complement: LRBA is on the minus strand). VCF-style: chr4-150831895-T-C. GRCh37 (hg19) VCF-style: chr4-151753047-T-C.
Other names: c.4651A>G, p.Ile1551Val (NM_001199282.3, NM_001367550.1, NM_006726.5); short protein forms I1551V.
Identifiers: ClinVar variation 840571 (VCV000840571.5), dbSNP rs200818717, ClinGen allele CA3102690.